The following is an entry in ClinVar:

NM_001356.5(DDX3X):c.1510G>C (p.Gly504Arg)

Gene: DDX3X (DEAD-box helicase 3 X-linked; plus strand). Cytogenetic location: Xp11.4.
Variant type: single nucleotide variant.
Coding change: c.1510G>C on transcript NM_001356.5 (MANE Select); coding-DNA position 1510, G replaced by C.
Protein change: p.Gly504Arg; replaces glycine 504 with arginine.
Molecular consequence: missense variant. On other transcripts: non-coding transcript variant (1).
Genome position (GRCh38, 1-based): chrX:41,346,517, G>C. VCF-style: chrX-41346517-G-C. GRCh37 (hg19) VCF-style: chrX-41205770-G-C.
Other names: c.1510G>C, p.Gly504Arg (NM_001193416.3); c.1462G>C, p.Gly488Arg (NM_001193417.3); c.952G>C, p.Gly318Arg (NM_001363819.1); short protein forms G318R, G488R, G504R.
Identifiers: ClinVar variation 4530083 (VCV004530083.1).

ClinVar aggregate classification (somatic clinical impact): Tier I - Strong (1 of 4 stars; one submission).

Conditions:
Medulloblastoma WNT activated. Identifiers: MedGen C4331965, MONDO:0850196.

Submission:

Institute for Genomic Medicine (IGM) Clinical Laboratory, Nationwide Children's Hospital
Classification: Tier I - Strong for Medulloblastoma WNT activated. Assertion type: diagnostic. Clinical significance: supports diagnosis. Last evaluated: 2025-05-12. Review status: criteria provided, single submitter. Criteria: AMP/ASCO/CAP Guidelines, 2017. Collection method: clinical testing. Allele origin: somatic. Affected: yes.
Comment: Variant has Tier I (strong) clinical significance as a diagnostic inclusion criterion in medulloblastoma WNT activated, based on the following evidence: 1) Appears in one or more well-established professional guidelines (e.g., World Health Organization [WHO]; National Comprehensive Cancer Network [NCCN]) as providing diagnostic, prognostic, or therapeutic information. 2) Information in the literature supports potential biologic effect of variant (PMIDs: 22820256, 33627125). 3) Diagnostic for a specific tumor type/classification based on well-powered studies with expert-level consensus (Evidence Level B; PMIDs: 22820256, 22832583, 22722829, 28726821, 31574483, 30765705).

Literature cited by the submitters: PubMed 22820256; PubMed 33627125; PubMed 22832583; PubMed 22722829; PubMed 28726821; PubMed 31574483; PubMed 30765705.